The following is an entry in ClinVar:

ClinVar aggregate classification (germline): Likely benign (1 of 4 stars; one submission).

Submission:

CeGaT Center for Human Genetics Tuebingen
Classification: Likely benign. Last evaluated: 2026-02-01. Review status: criteria provided, single submitter. Criteria: CeGaT Center For Human Genetics Tuebingen Variant Classification Criteria Version 2. Collection method: clinical testing. Allele origin: germline. Affected: yes. Observed: 1 variant allele.
Comment: CFAP70: BP4

NM_001367801.1(CFAP70):c.959C>T (p.Pro320Leu)

Gene: CFAP70 (cilia and flagella associated protein 70; minus strand). Cytogenetic location: 10q22.2.
Variant type: single nucleotide variant.
Coding change: c.959C>T on transcript NM_001367801.1 (MANE Select); coding-DNA position 959, C replaced by T.
Protein change: p.Pro320Leu; replaces proline 320 with leucine.
Molecular consequence: missense variant.
Genome position (GRCh38, 1-based): chr10:73,331,205, G>A on the plus strand (C>T on the coding strand, the complement: CFAP70 is on the minus strand). VCF-style: chr10-73331205-G-A. GRCh37 (hg19) VCF-style: chr10-75090963-G-A.
Other names: c.749C>T, p.Pro250Leu (NM_001350933.2); c.383C>T, p.Pro128Leu (NM_001350934.2); short protein forms P128L, P250L, P320L.
Identifiers: ClinVar variation 4820910 (VCV004820910.4).